The following is an entry in ClinVar:

NM_018557.3(LRP1B):c.3273C>T (p.Thr1091=)

Gene: LRP1B (LDL receptor related protein 1B; minus strand). Cytogenetic location: 2q22.1.
Variant type: single nucleotide variant.
Coding change: c.3273C>T on transcript NM_018557.3 (MANE Select); coding-DNA position 3273, C replaced by T.
Protein change: p.Thr1091=; no amino-acid change (threonine 1091 retained).
Molecular consequence: synonymous variant.
Genome position (GRCh38, 1-based): chr2:140,923,011, G>A on the plus strand (C>T on the coding strand, the complement: LRP1B is on the minus strand). VCF-style: chr2-140923011-G-A. GRCh37 (hg19) VCF-style: chr2-141680580-G-A.
Identifiers: ClinVar variation 3050875 (VCV003050875.2), dbSNP rs775981750, ClinGen allele CA1895453.

ClinVar aggregate classification (germline): Likely benign (0 of 4 stars; one submission).

Conditions:
LRP1B-related disorder. Also called: LRP1B-related condition.

Allele frequency attached by ClinVar (database versions not stated): gnomAD exomes below 0.00001; ExAC 0.00001; gnomAD 0.00001.
gnomAD v4.1: 3 of 1,612,856 alleles (0.00019%); highest among the groups gnomAD compares: Admixed American, 0.0017%; no homozygotes.

Submission:

PreventionGenetics, part of Exact Sciences
Classification: Likely benign for LRP1B-related condition. Last evaluated: 2019-04-10. Review status: no assertion criteria provided. Collection method: clinical testing. Allele origin: germline.
Comment: This variant is classified as likely benign based on ACMG/AMP sequence variant interpretation guidelines (Richards et al. 2015 PMID: 25741868, with internal and published modifications).